The following is an entry in ClinVar:

ClinVar aggregate classification (germline): Conflicting classifications of pathogenicity. Review status: criteria provided, conflicting classifications (1 of 4 stars). 3 submissions from 3 submitters: Likely pathogenic (1); Uncertain significance (2). Last evaluated 2025-04-02.

Conditions:
Cardiovascular phenotype. Identifiers: MedGen CN230736.
Hypertrophic cardiomyopathy 1 (CMH1). Also called: Familial hypertrophic cardiomyopathy 1; MYH7-Related Familial Hypertrophic Cardiomyopathy. Identifiers: MedGen C3495498, MONDO:0008647, OMIM 192600.
Hypertrophic cardiomyopathy. Also called: HYPERTROPHIC MYOCARDIOPATHY. Identifiers: Orphanet 217569, MedGen C0007194, MeSH D002312, MONDO:0005045, HP:0001639.

Submissions (3):

Ambry Genetics
Classification: Uncertain significance for Cardiovascular phenotype. Last evaluated: 2025-04-02. Review status: criteria provided, single submitter. Criteria: Ambry Variant Classification Scheme 2023. Collection method: clinical testing. Allele origin: germline.
Comment: The p.L781M variant (also known as c.2341C>A), located in coding exon 19 of the MYH7 gene, results from a C to A substitution at nucleotide position 2341. The leucine at codon 781 is replaced by methionine, an amino acid with highly similar properties. This variant has been reported in association with hypertrophic cardiomyopathy (HCM) (Wang J et al. Eur J Heart Fail, 2014 Sep;16:950-7; Zhou H et al. Eur Radiol, 2021 Jun;31:3931-3940). This alteration is located in the myosin head domain, which contains a statistically significant clustering of pathogenic missense variants (Homburger JR et al. Proc Natl Acad Sci U S A, 2016 06;113:6701-6; Walsh R et al. Genet Med, 2017 02;19:192-203; Ambry internal data). This amino acid position is highly conserved in available vertebrate species. In addition, this alteration is predicted to be deleterious by in silico analysis. Based on the available evidence, the clinical significance of this variant remains unclear.

Labcorp Genetics (formerly Invitae), Labcorp
Classification: Likely pathogenic for Hypertrophic cardiomyopathy. Last evaluated: 2024-03-08. Review status: criteria provided, single submitter. Criteria: Invitae Variant Classification Sherloc (09022015). Collection method: clinical testing. Allele origin: germline.
Comment: This sequence change replaces leucine, which is neutral and non-polar, with methionine, which is neutral and non-polar, at codon 781 of the MYH7 protein (p.Leu781Met). This variant is not present in population databases (gnomAD no frequency). This missense change has been observed in individuals with hypertrophic cardiomyopathy (PMID: 25132132; Invitae). ClinVar contains an entry for this variant (Variation ID: 548985). Advanced modeling of protein sequence and biophysical properties (such as structural, functional, and spatial information, amino acid conservation, physicochemical variation, residue mobility, and thermodynamic stability) performed at Invitae indicates that this missense variant is expected to disrupt MYH7 protein function with a positive predictive value of 95%. In summary, the currently available evidence indicates that the variant is pathogenic, but additional data are needed to prove that conclusively. Therefore, this variant has been classified as Likely Pathogenic.

HudsonAlpha Institute for Biotechnology
Classification: Uncertain significance for Hypertrophic cardiomyopathy 1. Last evaluated: 2018-03-12. Review status: criteria provided, single submitter. Criteria: ACMG Guidelines, 2015. Collection method: research. Allele origin: unknown. Observed: 1 variant allele. Study: CSER-HudsonAlpha.

Literature cited by the submitters: PubMed 25132132 (cited by Ambry Genetics and Labcorp Genetics (formerly Invitae), Labcorp); PubMed 30275503 (cited by Ambry Genetics); PubMed 33241513 (cited by Ambry Genetics).

NM_000257.4(MYH7):c.2341C>A (p.Leu781Met)

Genes: MYH7 (myosin heavy chain 7; minus strand), LOC126861898 (BRD4-independent group 4 enhancer GRCh37_chr14:23893609-23894808; plus strand). Cytogenetic location: 14q11.2.
Variant type: single nucleotide variant.
Coding change: c.2341C>A on transcript NM_000257.4 (MANE Select); coding-DNA position 2341, C replaced by A.
Protein change: p.Leu781Met; replaces leucine 781 with methionine.
Molecular consequence: missense variant.
Genome position (GRCh38, 1-based): chr14:23,425,364, G>T on the plus strand (C>A on the coding strand, the complement: MYH7 is on the minus strand). VCF-style: chr14-23425364-G-T. GRCh37 (hg19) VCF-style: chr14-23894573-G-T.
Other names: short protein forms L781M.
Identifiers: ClinVar variation 548985 (VCV000548985.6), dbSNP rs1348730180, ClinGen allele CA389048612.